The following is an entry in ClinVar:

NM_005035.4(POLRMT):c.1331C>T (p.Ala444Val)

Gene: POLRMT (RNA polymerase mitochondrial; minus strand). Cytogenetic location: 19p13.3.
Variant type: single nucleotide variant.
Coding change: c.1331C>T on transcript NM_005035.4 (MANE Select); coding-DNA position 1331, C replaced by T.
Protein change: p.Ala444Val; replaces alanine 444 with valine.
Molecular consequence: missense variant. On other transcripts: non-coding transcript variant (1).
Genome position (GRCh38, 1-based): chr19:622,945, G>A on the plus strand (C>T on the coding strand, the complement: POLRMT is on the minus strand). VCF-style: chr19-622945-G-A. GRCh37 (hg19) VCF-style: chr19-622945-G-A.
Other names: c.1331C>T, p.Ala444Val (NM_001407805.1, NM_001407806.1, NM_001407808.1 and 8 more transcripts); c.1319C>T, p.Ala440Val (NM_001407807.1, NM_001407810.1); c.1289C>T, p.Ala430Val (NM_001407811.1, NM_001407813.1); c.1007C>T, p.Ala336Val (NM_001407831.1, NM_001407833.1, NM_001407834.1 and 2 more transcripts); short protein forms A444V, A336V, A440V, A430V.
Identifiers: ClinVar variation 2540234 (VCV002540234.4), dbSNP rs148655029, ClinGen allele CA9020334.

ClinVar aggregate classification (germline): Uncertain significance. Review status: criteria provided, multiple submitters, no conflicts (2 of 4 stars). 2 submissions from 2 submitters: Uncertain significance (2). Last evaluated 2025-08-05.

Conditions:
Combined oxidative phosphorylation deficiency 55 (COXPD55). Identifiers: MedGen C5676915, MONDO:0859228, OMIM 619743.

Allele frequency attached by ClinVar (database versions not stated): ExAC 0.00021; TOPMed 0.00026; gnomAD 0.00031; gnomAD exomes 0.00038; ESP Exome Variant Server 0.00046.
gnomAD v4.1: 619 of 1,612,860 alleles (0.038%); highest among the groups gnomAD compares: Non-Finnish European, 0.048%; no homozygotes.

Submissions (2):

Ambry Genetics
Classification: Uncertain significance. Last evaluated: 2025-08-05. Review status: criteria provided, single submitter. Criteria: Ambry Variant Classification Scheme 2023. Collection method: clinical testing. Allele origin: germline.

Clinical Genomics Laboratory, Washington University in St. Louis
Classification: Uncertain significance for Combined oxidative phosphorylation deficiency 55. Last evaluated: 2024-04-05. Review status: criteria provided, single submitter. Criteria: ACMG Guidelines, 2015. Collection method: clinical testing. Allele origin: germline. Affected: yes.
Comment: The POLRMT c.1331C>T (p.Ala444Val) variant, to our knowledge, has not been reported in the medical literature. Computational predictors suggest that the variant does not impact POLRMT function. The highest population minor allele frequency in the population database genome aggregation database (v.2.1.1) is 0.036% in the European non-Finnish population. This variant has been reported in the ClinVar database as a germline variant of uncertain significance by one submitter. Due to limited information, and based on ACMG/AMP guidelines for variant interpretation (Richards S et al., PMID: 25741868), the clinical significance of this variant is uncertain at this time.